The following is an entry in ClinVar:

NM_032730.5(RTN4IP1):c.680C>T (p.Ala227Val)

Gene: RTN4IP1 (reticulon 4 interacting protein 1; minus strand). Cytogenetic location: 6q21.
Variant type: single nucleotide variant.
Coding change: c.680C>T on transcript NM_032730.5 (MANE Select); coding-DNA position 680, C replaced by T.
Protein change: p.Ala227Val; replaces alanine 227 with valine.
Molecular consequence: missense variant.
Genome position (GRCh38, 1-based): chr6:106,592,290, G>A on the plus strand (C>T on the coding strand, the complement: RTN4IP1 is on the minus strand). VCF-style: chr6-106592290-G-A. GRCh37 (hg19) VCF-style: chr6-107040165-G-A.
Other names: c.380C>T, p.Ala127Val (NM_001318746.1); short protein forms A127V, A227V.
Identifiers: ClinVar variation 1978359 (VCV001978359.3), dbSNP rs2482333316, ClinGen allele CA365156732.

ClinVar aggregate classification (germline): Uncertain significance (1 of 4 stars; one submission).

Allele frequency attached by ClinVar (database versions not stated): gnomAD exomes below 0.00001.
gnomAD v4.1: 1 of 1,613,438 alleles (0.000062%); highest among the groups gnomAD compares: Non-Finnish European, 0.000085%; no homozygotes.

Submission:

Labcorp Genetics (formerly Invitae), Labcorp
Classification: Uncertain significance. Last evaluated: 2025-01-13. Review status: criteria provided, single submitter. Criteria: Invitae Variant Classification Sherloc (09022015). Collection method: clinical testing. Allele origin: germline.
Comment: This sequence change replaces alanine, which is neutral and non-polar, with valine, which is neutral and non-polar, at codon 227 of the RTN4IP1 protein (p.Ala227Val). This variant is not present in population databases (gnomAD no frequency). This variant has not been reported in the literature in individuals affected with RTN4IP1-related conditions. ClinVar contains an entry for this variant (Variation ID: 1978359). Invitae Evidence Modeling of protein sequence and biophysical properties (such as structural, functional, and spatial information, amino acid conservation, physicochemical variation, residue mobility, and thermodynamic stability) indicates that this missense variant is not expected to disrupt RTN4IP1 protein function with a negative predictive value of 80%. In summary, the available evidence is currently insufficient to determine the role of this variant in disease. Therefore, it has been classified as a Variant of Uncertain Significance.